The following is an entry in ClinVar:

NM_000428.3(LTBP2):c.1067C>A (p.Thr356Asn)

Gene: LTBP2 (latent transforming growth factor beta binding protein 2; minus strand). Cytogenetic location: 14q24.3.
Variant type: single nucleotide variant.
Coding change: c.1067C>A on transcript NM_000428.3 (MANE Select); coding-DNA position 1067, C replaced by A.
Protein change: p.Thr356Asn; replaces threonine 356 with asparagine.
Molecular consequence: missense variant.
Genome position (GRCh38, 1-based): chr14:74,553,017, G>T on the plus strand (C>A on the coding strand, the complement: LTBP2 is on the minus strand). VCF-style: chr14-74553017-G-T. GRCh37 (hg19) VCF-style: chr14-75019720-G-T.
Other names: short protein forms T356N.
Identifiers: ClinVar variation 1917748 (VCV001917748.4), dbSNP rs1442062204, ClinGen allele CA390401626.

ClinVar aggregate classification (germline): Uncertain significance (1 of 4 stars; one submission).

Allele frequency attached by ClinVar (database versions not stated): gnomAD exomes 0.00001.
gnomAD v4.1: 21 of 1,614,120 alleles (0.0013%); highest among the groups gnomAD compares: Non-Finnish European, 0.0015%; no homozygotes.

Submission:

Labcorp Genetics (formerly Invitae), Labcorp
Classification: Uncertain significance. Last evaluated: 2024-08-22. Review status: criteria provided, single submitter. Criteria: Invitae Variant Classification Sherloc (09022015). Collection method: clinical testing. Allele origin: germline.
Comment: This sequence change replaces threonine, which is neutral and polar, with asparagine, which is neutral and polar, at codon 356 of the LTBP2 protein (p.Thr356Asn). This variant is not present in population databases (gnomAD no frequency). This variant has not been reported in the literature in individuals affected with LTBP2-related conditions. ClinVar contains an entry for this variant (Variation ID: 1917748). An algorithm developed to predict the effect of missense changes on protein structure and function (PolyPhen-2) suggests that this variant is likely to be disruptive. In summary, the available evidence is currently insufficient to determine the role of this variant in disease. Therefore, it has been classified as a Variant of Uncertain Significance.